The following is an entry in ClinVar:

ClinVar aggregate classification (germline): Conflicting classifications of pathogenicity. Review status: criteria provided, conflicting classifications (1 of 4 stars). 5 submissions from 5 submitters: Uncertain significance (4); Likely benign (1). Last evaluated 2026-01-13.

Conditions:
Hereditary cancer-predisposing syndrome. Also called: Tumor predisposition; Hereditary Cancer Syndrome; Hereditary neoplastic syndrome; Neoplastic Syndromes, Hereditary. Identifiers: Orphanet 140162, MedGen C0027672, MeSH D009386, MONDO:0015356.
Familial adenomatous polyposis 2. Also called: COLORECTAL ADENOMATOUS POLYPOSIS, AUTOSOMAL RECESSIVE; MUTYH Polyposis; MUTYH-associated polyposis; MUTYH-related attenuated familial adenomatous polyposis; Adenomas, multiple colorectal; ADENOMAS, MULTIPLE COLORECTAL, AUTOSOMAL RECESSIVE. Identifiers: Orphanet 220460, Orphanet 247798, MedGen C3272841, MONDO:0012041, OMIM 608456.

Allele frequency attached by ClinVar (database versions not stated): ESP Exome Variant Server 0.00008; 1000 Genomes Project 30x 0.00016; 1000 Genomes Project 0.00020; gnomAD 0.00001 and 0.00002; TOPMed 0.00001; ExAC 0.00002.
gnomAD v4.1: 15 of 1,614,108 alleles (0.00093%); highest among the groups gnomAD compares: African/African-American, 0.004%; no homozygotes.

Submissions (5):

Labcorp Genetics (formerly Invitae), Labcorp
Classification: Uncertain significance for Familial adenomatous polyposis 2. Last evaluated: 2026-01-13. Review status: criteria provided, single submitter. Criteria: Invitae Variant Classification Sherloc (09022015). Collection method: clinical testing. Allele origin: germline.
Comment: This sequence change replaces threonine, which is neutral and polar, with alanine, which is neutral and non-polar, at codon 539 of the MUTYH protein (p.Thr539Ala). This variant is present in population databases (rs151196169, gnomAD 0.01%). This variant has not been reported in the literature in individuals affected with MUTYH-related conditions. ClinVar contains an entry for this variant (Variation ID: 418929). An algorithm developed to predict the effect of missense changes on protein structure and function outputs the following: PolyPhen-2: "Benign". The alanine amino acid residue is found in multiple mammalian species, which suggests that this missense change does not adversely affect protein function. Experimental studies have shown that this missense change does not substantially affect MUTYH function (PMID: 26694661). In summary, the available evidence is currently insufficient to determine the role of this variant in disease. Therefore, it has been classified as a Variant of Uncertain Significance.

Ambry Genetics
Classification: Likely benign for Hereditary cancer-predisposing syndrome. Last evaluated: 2024-04-19. Review status: criteria provided, single submitter. Criteria: Ambry Variant Classification Scheme 2023. Collection method: clinical testing. Allele origin: germline.

All of Us Research Program, National Institutes of Health
Classification: Uncertain significance for Familial adenomatous polyposis 2. Last evaluated: 2023-06-28. Review status: criteria provided, single submitter. Criteria: ACMG Guidelines, 2015. Collection method: clinical testing. Allele origin: germline. Inheritance: Autosomal recessive inheritance. Observed: 1 variant allele, 1 heterozygote.
Comment: This study involves interpretation of variants in research participants for the purpose of population health screening. Participant phenotype was not available at the time of variant classification. Additional details can be found in publication PMID: 35346344, PMCID: PMC8962531

Color Diagnostics, LLC DBA Color Health
Classification: Uncertain significance for Hereditary cancer-predisposing syndrome. Last evaluated: 2022-09-27. Review status: criteria provided, single submitter. Criteria: ACMG Guidelines, 2015. Collection method: clinical testing. Allele origin: germline.
Comment: This missense variant replaces threonine with alanine at codon 539 of the MUTYH protein. Computational prediction suggests that this variant may not impact protein structure and function (internally defined REVEL score threshold <= 0.5, PMID: 27666373). To our knowledge, functional studies have not been reported for this variant. This variant has not been reported in individuals affected with hereditary cancer in the literature. This variant has been identified in 3/251496 chromosomes in the general population by the Genome Aggregation Database (gnomAD). The available evidence is insufficient to determine the role of this variant in disease conclusively. Therefore, this variant is classified as a Variant of Uncertain Significance.

GeneDx
Classification: Uncertain significance. Last evaluated: 2018-06-08. Review status: criteria provided, single submitter. Criteria: GeneDx Variant Classification (06012015). Collection method: clinical testing. Allele origin: germline. Affected: yes.
Comment: This variant is denoted MUTYH c.1615A>G at the cDNA level, p.Thr539Ala (T539A) at the protein level, and results in the change of a Threonine to an Alanine (ACT>GCT). This variant was shown to retain DNA glycosylase activity and mutation suppression ability similar to wildtype (Shinmura 2016). MUTYH Thr539Ala was not observed at a significant allele frequency in large population cohorts (Lek 2016). This variant is located in the PCNA binding domain (Ruggieri 2013). In silico analysis, which includes protein predictors and evolutionary conservation, supports that this variant does not alter protein structure/function. Based on currently available evidence, it is unclear whether MUTYH Thr539Ala is a pathogenic or benign variant. We consider it to be a variant of uncertain significance. Of note, MUTYH-Associated Polyposis (MAP) is a recessive condition associated with two MUTYH pathogenic variants on opposite chromosomes.

Literature cited by the submitters: PubMed 26694661 (cited by Labcorp Genetics (formerly Invitae), Labcorp and Ambry Genetics).

NM_001048174.2(MUTYH):c.1531A>G (p.Thr511Ala)

Gene: MUTYH (mutY DNA glycosylase; minus strand). Cytogenetic location: 1p34.1.
Variant type: single nucleotide variant.
Coding change: c.1531A>G on transcript NM_001048174.2 (MANE Select); coding-DNA position 1531, A replaced by G.
Protein change: p.Thr511Ala; replaces threonine 511 with alanine.
Molecular consequence: missense variant. On other transcripts: non-coding transcript variant (2).
Genome position (GRCh38, 1-based): chr1:45,329,341, T>C on the plus strand (A>G on the coding strand, the complement: MUTYH is on the minus strand). VCF-style: chr1-45329341-T-C. GRCh37 (hg19) VCF-style: chr1-45795013-T-C.
Other names: c.1531A>G, p.Thr511Ala (NM_001048171.2, NM_001048173.2, NM_001293195.2); c.1534A>G, p.Thr512Ala (NM_001048172.2); c.1615A>G, p.Thr539Ala (NM_001128425.2); c.1576A>G, p.Thr526Ala (NM_001293190.2); c.1564A>G, p.Thr522Ala (NM_001293191.2); c.1255A>G, p.Thr419Ala (NM_001293192.2, NM_001293196.2); c.1186A>G, p.Thr396Ala (NM_001350650.2, NM_001350651.2); c.1606A>G, p.Thr536Ala (NM_012222.3); short protein forms T539A, T511A, T536A, T526A, T396A, T419A, T512A, T522A.
Identifiers: ClinVar variation 418929 (VCV000418929.23), dbSNP rs151196169, ClinGen allele CA057086.